The following is an entry in ClinVar:

NM_001845.6(COL4A1):c.3530G>C (p.Gly1177Ala)

Gene: COL4A1 (collagen type IV alpha 1 chain; minus strand). Cytogenetic location: 13q34.
Variant type: single nucleotide variant.
Coding change: c.3530G>C on transcript NM_001845.6 (MANE Select); coding-DNA position 3530, G replaced by C.
Protein change: p.Gly1177Ala; replaces glycine 1177 with alanine.
Molecular consequence: missense variant.
Genome position (GRCh38, 1-based): chr13:110,172,746, C>G on the plus strand (G>C on the coding strand, the complement: COL4A1 is on the minus strand). VCF-style: chr13-110172746-C-G. GRCh37 (hg19) VCF-style: chr13-110825093-C-G.
Other names: short protein forms G1177A.
Identifiers: ClinVar variation 2504733 (VCV002504733.1), dbSNP rs2501765877, ClinGen allele CA388664039.

ClinVar aggregate classification (germline): Uncertain significance (1 of 4 stars; one submission).

Submission:

GeneDx
Classification: Uncertain significance. Last evaluated: 2022-12-08. Review status: criteria provided, single submitter. Criteria: GeneDx Variant Classification Process June 2021. Collection method: clinical testing. Allele origin: germline. Affected: yes.
Comment: Not observed at significant frequency in large population cohorts (gnomAD); In silico analysis supports that this missense variant has a deleterious effect on protein structure/function